The following is an entry in ClinVar:

ClinVar aggregate classification (germline): Uncertain significance (1 of 4 stars; one submission).

Conditions:
Hereditary cancer-predisposing syndrome. Also called: Neoplastic Syndromes, Hereditary; Tumor predisposition; Hereditary neoplastic syndrome; Hereditary Cancer Syndrome. Identifiers: Orphanet 140162, MedGen C0027672, MeSH D009386, MONDO:0015356.

Submission:

Ambry Genetics
Classification: Uncertain significance for Hereditary cancer-predisposing syndrome. Last evaluated: 2024-02-26. Review status: criteria provided, single submitter. Criteria: Ambry Variant Classification Scheme 2023. Collection method: clinical testing. Allele origin: germline.
Comment: The p.S233G variant (also known as c.697A>G), located in coding exon 2 of the BLM gene, results from an A to G substitution at nucleotide position 697. The serine at codon 233 is replaced by glycine, an amino acid with similar properties. This amino acid position is conserved. In addition, this alteration is predicted to be tolerated by in silico analysis. Based on the available evidence, the clinical significance of this alteration remains unclear.

NM_000057.4(BLM):c.697A>G (p.Ser233Gly)

Gene: BLM (BLM RecQ like helicase; plus strand). Cytogenetic location: 15q26.1.
Variant type: single nucleotide variant.
Coding change: c.697A>G on transcript NM_000057.4 (MANE Select); coding-DNA position 697, A replaced by G.
Protein change: p.Ser233Gly; replaces serine 233 with glycine.
Molecular consequence: missense variant. On other transcripts: 5 prime UTR variant (1).
Genome position (GRCh38, 1-based): chr15:90,749,965, A>G. VCF-style: chr15-90749965-A-G. GRCh37 (hg19) VCF-style: chr15-91293195-A-G.
Other names: c.697A>G, p.Ser233Gly (NM_001287246.2, NM_001287247.2); c.-595A>G (NM_001287248.2); short protein forms S233G.
Identifiers: ClinVar variation 3224880 (VCV003224880.1), dbSNP rs2505394330, ClinGen allele CA393841364.